The following is an entry in ClinVar:

ClinVar aggregate classification (germline): Uncertain significance (1 of 4 stars; one submission).

Conditions:
Inborn genetic diseases. Identifiers: MedGen C0950123, MeSH D030342.

gnomAD v4.1: 1 of 1,612,902 alleles (0.000062%); highest among the groups gnomAD compares: Admixed American, 0.0017%; no homozygotes.

Submission:

Ambry Genetics
Classification: Uncertain significance for Inborn genetic diseases. Last evaluated: 2025-07-04. Review status: criteria provided, single submitter. Criteria: Ambry Variant Classification Scheme 2023. Collection method: clinical testing. Allele origin: germline.
Comment: The p.S309L variant (also known as c.926C>T), located in coding exon 7 of the KDM1A gene, results from a C to T substitution at nucleotide position 926. The serine at codon 309 is replaced by leucine, an amino acid with dissimilar properties. This amino acid position is conserved. In addition, this alteration is predicted to be deleterious by in silico analysis. Based on the available evidence, the clinical significance of this variant remains unclear.

NM_001009999.3(KDM1A):c.926C>T (p.Ser309Leu)

Gene: KDM1A (lysine demethylase 1A; plus strand). Cytogenetic location: 1p36.12.
Variant type: single nucleotide variant.
Coding change: c.926C>T on transcript NM_001009999.3 (MANE Select); coding-DNA position 926, C replaced by T.
Protein change: p.Ser309Leu; replaces serine 309 with leucine.
Molecular consequence: missense variant.
Genome position (GRCh38, 1-based): chr1:23,055,974, C>T. VCF-style: chr1-23055974-C-T. GRCh37 (hg19) VCF-style: chr1-23382467-C-T.
Other names: c.866C>T, p.Ser289Leu (NM_001363654.2, NM_001410763.1, NM_015013.4); c.926C>T, p.Ser309Leu (NM_001410762.1); short protein forms S289L, S309L.
Identifiers: ClinVar variation 4091045 (VCV004091045.1).